The following is an entry in ClinVar:

ClinVar aggregate classification (germline): Benign. Review status: criteria provided, multiple submitters, no conflicts (2 of 4 stars). 3 submissions from 3 submitters: Benign (3). Last evaluated 2026-02-02.

Conditions:
Candidiasis, familial, 9 (CANDF9). Identifiers: Orphanet 1334, MedGen C4225324, MONDO:0014642, OMIM 616445.

Allele frequency attached by ClinVar (database versions not stated): 1000 Genomes Project 0.00479; 1000 Genomes Project 30x 0.00531; TOPMed 0.01181; gnomAD 0.01205 and 0.01226; gnomAD exomes 0.01418; ExAC 0.01503; ESP Exome Variant Server 0.01630.
gnomAD v4.1: 25,388 of 1,614,080 alleles (1.6%); highest among the groups gnomAD compares: Non-Finnish European, 1.8%; 238 homozygotes.

Submissions (5):

Labcorp Genetics (formerly Invitae), Labcorp
Classification: Benign for Candidiasis, familial, 9. Last evaluated: 2026-02-02. Review status: criteria provided, single submitter. Criteria: Invitae Variant Classification Sherloc (09022015). Collection method: clinical testing. Allele origin: germline.

Mayo Clinic Laboratories, Mayo Clinic
Classification: Benign. Last evaluated: 2024-05-31. Review status: criteria provided, single submitter. Criteria: ACMG Guidelines, 2015. Collection method: clinical testing. Allele origin: germline. Observed: 3 variant alleles.
Comment: BS1, BS2, BP4

Breakthrough Genomics
Classification: Benign. Review status: criteria provided, single submitter. Criteria: ACMG Guidelines, 2015. Collection method: not provided. Allele origin: germline. Inheritance: Autosomal recessive inheritance. Affected: yes.

Dr. Peter K. Rogan Lab, Western University
No classification provided (evidence only). Condition: Colon adenocarcinoma. Review status: no classification provided. Collection method: in vitro. Allele origin: not applicable. Functional consequence: retained intron. Not counted in ClinVar's aggregate classification.

Dr. Peter K. Rogan Lab, Western University
No classification provided (evidence only). Condition: Uveal melanoma. Review status: no classification provided. Collection method: in vitro. Allele origin: not applicable. Functional consequence: retained intron. Not counted in ClinVar's aggregate classification.

NM_153460.4(IL17RC):c.640G>A (p.Val214Met)

Gene: IL17RC (interleukin 17 receptor C; plus strand). Cytogenetic location: 3p25.3.
Variant type: single nucleotide variant.
Coding change: c.640G>A on transcript NM_153460.4 (MANE Select); coding-DNA position 640, G replaced by A.
Protein change: p.Val214Met; replaces valine 214 with methionine.
Molecular consequence: missense variant. On other transcripts: non-coding transcript variant (1).
Genome position (GRCh38, 1-based): chr3:9,923,898, G>A. VCF-style: chr3-9923898-G-A. GRCh37 (hg19) VCF-style: chr3-9965582-G-A.
Other names: p.Val285Met; c.640G>A, p.Val214Met (NM_001203263.2, NM_001203264.2, NM_001367278.1); c.595G>A, p.Val199Met (NM_001203265.2, NM_001367280.1, NM_032732.6); c.520G>A, p.Val174Met (NM_001367279.1); c.853G>A, p.Val285Met (NM_153461.4); short protein forms V285M, V214M, V199M, V174M.
Identifiers: ClinVar variation 475930 (VCV000475930.13), dbSNP rs75692599, ClinGen allele CA2246918.